The following is an entry in ClinVar:

ClinVar aggregate classification (germline): Uncertain significance. Review status: criteria provided, multiple submitters, no conflicts (2 of 4 stars). 5 submissions from 5 submitters: Uncertain significance (5). Last evaluated 2025-08-24.

Conditions:
Cardiomyopathy (CMYO). Also called: Cardiomyopathies. Identifiers: Orphanet 167848, MedGen C0878544, MONDO:0004994, HP:0001638. Inheritance: Various modes of inheritance.
Cardiovascular phenotype. Identifiers: MedGen CN230736.
Arrhythmogenic right ventricular dysplasia 5. Also called: Arrhythmogenic Right Ventricular Dysplasia/Cardiomyopathy 5; ARRHYTHMOGENIC RIGHT VENTRICULAR DYSPLASIA, FAMILIAL, 5. Identifiers: MedGen C1858379, MONDO:0011459, OMIM 604400.

Allele frequency attached by ClinVar (database versions not stated): gnomAD exomes 0.00001; TOPMed 0.00001; ExAC 0.00003; ESP Exome Variant Server 0.00008.
gnomAD v4.1: 3 of 1,614,200 alleles (0.00019%); highest among the groups gnomAD compares: Non-Finnish European, 0.00025%; no homozygotes.

Submissions (5):

Labcorp Genetics (formerly Invitae), Labcorp
Classification: Uncertain significance for Arrhythmogenic right ventricular dysplasia 5. Last evaluated: 2025-08-24. Review status: criteria provided, single submitter. Criteria: Invitae Variant Classification Sherloc (09022015). Collection method: clinical testing. Allele origin: germline.
Comment: This sequence change replaces leucine, which is neutral and non-polar, with proline, which is neutral and non-polar, at codon 115 of the TMEM43 protein (p.Leu115Pro). This variant is present in population databases (rs376182664, gnomAD 0.003%). This variant has not been reported in the literature in individuals affected with TMEM43-related conditions. ClinVar contains an entry for this variant (Variation ID: 202129). Invitae Evidence Modeling of protein sequence and biophysical properties (such as structural, functional, and spatial information, amino acid conservation, physicochemical variation, residue mobility, and thermodynamic stability) indicates that this missense variant is expected to disrupt TMEM43 protein function with a positive predictive value of 80%. In summary, the available evidence is currently insufficient to determine the role of this variant in disease. Therefore, it has been classified as a Variant of Uncertain Significance.

GeneDx
Classification: Uncertain significance. Last evaluated: 2024-08-01. Review status: criteria provided, single submitter. Criteria: GeneDx Variant Classification Process June 2021. Collection method: clinical testing. Allele origin: germline. Affected: yes.
Comment: Has not been previously published as pathogenic or benign to our knowledge; Not observed at significant frequency in large population cohorts (gnomAD); In silico analysis supports that this missense variant has a deleterious effect on protein structure/function; This variant is associated with the following publications: (PMID: 37745463)

All of Us Research Program, National Institutes of Health
Classification: Uncertain significance for Arrhythmogenic right ventricular dysplasia 5. Last evaluated: 2024-03-24. Review status: criteria provided, single submitter. Criteria: ACMG Guidelines, 2015. Collection method: clinical testing. Allele origin: germline. Inheritance: Autosomal dominant inheritance. Observed: 5 variant alleles, 5 heterozygotes.
Comment: This missense variant replaces leucine with proline at codon 115 of the TMEM43 protein. Computational prediction tools and conservation analyses suggest that this variant may have deleterious impact on the protein function. Computational splicing tools suggest that this variant may not impact RNA splicing. To our knowledge, functional assays have not been performed for this variant nor has this variant been reported in individuals affected with cardiovascular disorders in the literature. This variant has been identified in 3/251296 chromosomes in the general population by the Genome Aggregation Database (gnomAD). Available evidence is insufficient to determine the role of this variant in disease conclusively. Therefore, this variant is classified as a Variant of Uncertain Significance.

This study involves interpretation of variants in research participants for the purpose of population health screening. Participant phenotype was not available at the time of variant classification. Additional details can be found in publication PMID: 35346344, PMCID: PMC8962531

Color Diagnostics, LLC DBA Color Health
Classification: Uncertain significance for Cardiomyopathy. Last evaluated: 2023-05-01. Review status: criteria provided, single submitter. Criteria: ACMG Guidelines, 2015. Collection method: clinical testing. Allele origin: germline.
Comment: This missense variant replaces leucine with proline at codon 115 of the TMEM43 protein. Computational prediction suggests that this variant may have deleterious impact on protein structure and function (internally defined REVEL score threshold >= 0.7, PMID: 27666373). To our knowledge, functional studies have not been reported for this variant. This variant has not been reported in individuals affected with cardiovascular disorders in the literature. This variant has been identified in 3/251296 chromosomes in the general population by the Genome Aggregation Database (gnomAD). The available evidence is insufficient to determine the role of this variant in disease conclusively. Therefore, this variant is classified as a Variant of Uncertain Significance.

Ambry Genetics
Classification: Uncertain significance for Cardiovascular phenotype. Last evaluated: 2019-05-20. Review status: criteria provided, single submitter. Criteria: Ambry Variant Classification Scheme 2023. Collection method: clinical testing. Allele origin: germline.
Comment: The p.L115P variant (also known as c.344T>C), located in coding exon 4 of the TMEM43 gene, results from a T to C substitution at nucleotide position 344. The leucine at codon 115 is replaced by proline, an amino acid with similar properties. This amino acid position is highly conserved in available vertebrate species. In addition, this alteration is predicted to be deleterious by in silico analysis. Since supporting evidence is limited at this time, the clinical significance of this alteration remains unclear.

NM_024334.3(TMEM43):c.344T>C (p.Leu115Pro)

Gene: TMEM43 (transmembrane protein 43; plus strand). Cytogenetic location: 3p25.1.
Variant type: single nucleotide variant.
Coding change: c.344T>C on transcript NM_024334.3 (MANE Select); coding-DNA position 344, T replaced by C.
Protein change: p.Leu115Pro; replaces leucine 115 with proline.
Molecular consequence: missense variant.
Genome position (GRCh38, 1-based): chr3:14,131,626, T>C. VCF-style: chr3-14131626-T-C. GRCh37 (hg19) VCF-style: chr3-14173126-T-C.
Other names: p.L115P:CTG>CCG; short protein forms L115P.
Identifiers: ClinVar variation 202129 (VCV000202129.20), dbSNP rs376182664, ClinGen allele CA024663.